The following is an entry in ClinVar:

ClinVar aggregate classification (germline): Uncertain significance. Review status: criteria provided, multiple submitters, no conflicts (2 of 4 stars). 2 submissions from 2 submitters: Uncertain significance (2). Last evaluated 2024-02-21.

Conditions:
Cardiovascular phenotype. Identifiers: MedGen CN230736.

Allele frequency attached by ClinVar (database versions not stated): ExAC 0.00001.
gnomAD v4.1: 2 of 1,614,124 alleles (0.00012%); highest among the groups gnomAD compares: South Asian, 0.0011%; no homozygotes.

Submissions (2):

Mayo Clinic Laboratories, Mayo Clinic
Classification: Uncertain significance. Last evaluated: 2024-02-21. Review status: criteria provided, single submitter. Criteria: ACMG Guidelines, 2015. Collection method: clinical testing. Allele origin: germline. Observed: 1 variant allele.

Ambry Genetics
Classification: Uncertain significance for Cardiovascular phenotype. Last evaluated: 2023-02-11. Review status: criteria provided, single submitter. Criteria: Ambry Variant Classification Scheme 2023. Collection method: clinical testing. Allele origin: germline.
Comment: The p.E46V variant (also known as c.137A>T), located in coding exon 2 of the CACNB2 gene, results from an A to T substitution at nucleotide position 137. The glutamic acid at codon 46 is replaced by valine, an amino acid with dissimilar properties. This amino acid position is conserved. In addition, the in silico prediction for this alteration is inconclusive. Since supporting evidence is limited at this time, the clinical significance of this alteration remains unclear.

NM_201596.3(CACNB2):c.299A>T (p.Glu100Val)

Gene: CACNB2 (calcium voltage-gated channel auxiliary subunit beta 2; plus strand). Cytogenetic location: 10p12.31.
Variant type: single nucleotide variant.
Coding change: c.299A>T on transcript NM_201596.3 (MANE Select); coding-DNA position 299, A replaced by T.
Protein change: p.Glu100Val; replaces glutamic acid 100 with valine.
Molecular consequence: missense variant.
Genome position (GRCh38, 1-based): chr10:18,402,009, A>T. VCF-style: chr10-18402009-A-T. GRCh37 (hg19) VCF-style: chr10-18690938-A-T.
Other names: p.Glu46Val; c.134A>T, p.Glu45Val (NM_000724.4, NM_001330060.2); c.215A>T, p.Glu72Val (NM_001167945.2, NM_201571.4, NM_201572.4); c.155A>T, p.Glu52Val (NM_001410882.1, NM_201570.3); c.137A>T, p.Glu46Val (NM_201590.3); c.299A>T, p.Glu100Val (NM_201593.3, NM_201597.3); short protein forms E100V, E52V, E45V, E46V, E72V.
Identifiers: ClinVar variation 2447826 (VCV002447826.3), dbSNP rs762313820, ClinGen allele CA5429554.